The following is an entry in ClinVar:

NM_000548.5(TSC2):c.648+9C>T

Gene: TSC2 (TSC complex subunit 2; plus strand). Cytogenetic location: 16p13.3.
Variant type: single nucleotide variant.
Coding change: c.648+9C>T on transcript NM_000548.5 (MANE Select); 9 bases into the intron after coding-DNA position 648, C replaced by T.
Molecular consequence: intron variant.
Genome position (GRCh38, 1-based): chr16:2,056,253, C>T. VCF-style: chr16-2056253-C-T. GRCh37 (hg19) VCF-style: chr16-2106254-C-T.
Other names: c.648+9C>T (NM_001114382.3, NM_021055.3, NM_001370405.1 and 4 more transcripts); c.537+9C>T (NM_001318827.2); c.48+9C>T (NM_001318831.2); c.501+9C>T (NM_001318829.2); c.681+9C>T (NM_001318832.2).
Identifiers: ClinVar variation 413693 (VCV000413693.13), dbSNP rs756588732, ClinGen allele CA055929.

ClinVar aggregate classification (germline): Benign/Likely benign. Review status: criteria provided, multiple submitters, no conflicts (2 of 4 stars). 4 submissions from 4 submitters: Benign (1); Likely benign (3). Last evaluated 2026-08-17.

Conditions:
TSC2-related disorder. Also called: TSC2-Related Disorders; TSC2-related condition.
Tuberous sclerosis 2 (TSC2). Identifiers: Orphanet 805, MedGen C1860707, MONDO:0013199, OMIM 613254.

Allele frequency attached by ClinVar (database versions not stated): TOPMed 0.00003.
gnomAD v4.1: 12 of 1,614,014 alleles (0.00074%); highest among the groups gnomAD compares: Admixed American, 0.0067%; no homozygotes.

Submissions (4):

PreventionGenetics, part of Exact Sciences
Classification: Likely benign for TSC2-related condition. Last evaluated: 2026-08-17. Review status: criteria provided, single submitter. Criteria: ACMG Guidelines, 2015. Collection method: clinical testing. Allele origin: germline.
Comment: This variant is classified as likely benign based on ACMG/AMP sequence variant interpretation guidelines (Richards et al. 2015 PMID: 25741868, with internal and published modifications).

Labcorp Genetics (formerly Invitae), Labcorp
Classification: Benign for Tuberous sclerosis 2. Last evaluated: 2026-01-31. Review status: criteria provided, single submitter. Criteria: Invitae Variant Classification Sherloc (09022015). Collection method: clinical testing. Allele origin: germline.

Myriad Genetics, Inc.
Classification: Likely benign for Tuberous sclerosis 2. Last evaluated: 2025-05-08. Review status: criteria provided, single submitter. Criteria: Myriad Autosomal Dominant, Autosomal Recessive and X-Linked Classification Criteria (2023). Collection method: clinical testing. Allele origin: unknown.
Comment: This variant is considered likely benign. This variant is intronic and is not expected to impact mRNA splicing.

Women's Health and Genetics/Laboratory Corporation of America, LabCorp
Classification: Likely benign. Last evaluated: 2024-10-28. Review status: criteria provided, single submitter. Criteria: LabCorp Variant Classification Summary - May 2015. Collection method: clinical testing. Allele origin: germline.